The following is an entry in ClinVar:

Single allele

Gene: GALNS (galactosamine (N-acetyl)-6-sulfatase; minus strand). Cytogenetic location: 16q24.3.
Variant type: Complex.
Identifiers: ClinVar variation 1048408 (VCV001048408.3).

ClinVar aggregate classification (germline): Uncertain significance (1 of 4 stars; one submission).

Conditions:
Mucopolysaccharidosis, MPS-IV-A (MPS4A). Also called: Mucopolysaccharidosis type IV A; Mucopolysaccharidosis Type IVA; Morquio syndrome A, mild; MORQUIO SYNDROME A; MPS IVA; mucopolysaccharidosis type 4A. Identifiers: Orphanet 309297, Orphanet 582, MedGen C0086651, MONDO:0009659, OMIM 253000.

Submission:

Laboratory of Diagnosis and Therapy of Lysosomal Disorders, University of Padova
Classification: Uncertain significance for Mucopolysaccharidosis, MPS-IV-A. Last evaluated: 2021-02-01. Review status: criteria provided, single submitter. Criteria: ACMG Guidelines, 2015. Collection method: research. Allele origin: germline. Affected: yes.
Comment: Absent from gnomAD v2.1.1 (PM2_moderate)

Literature cited by the submitters: PubMed 24726177; PubMed 34387910.